The following is an entry in ClinVar:

NM_002692.4(POLE2):c.944C>G (p.Pro315Arg)

Gene: POLE2 (DNA polymerase epsilon 2, accessory subunit; minus strand). Cytogenetic location: 14q21.3.
Variant type: single nucleotide variant.
Coding change: c.944C>G on transcript NM_002692.4 (MANE Select); coding-DNA position 944, C replaced by G.
Protein change: p.Pro315Arg; replaces proline 315 with arginine.
Molecular consequence: missense variant.
Genome position (GRCh38, 1-based): chr14:49,655,079, G>C on the plus strand (C>G on the coding strand, the complement: POLE2 is on the minus strand). VCF-style: chr14-49655079-G-C. GRCh37 (hg19) VCF-style: chr14-50121797-G-C.
Other names: c.866C>G, p.Pro289Arg (NM_001197330.2); c.944C>G, p.Pro315Arg (NM_001197331.3, NM_001348384.2); c.713C>G, p.Pro238Arg (NM_001348385.2); short protein forms P315R, P238R, P289R.
Identifiers: ClinVar variation 3655933 (VCV003655933.2).

ClinVar aggregate classification (germline): Uncertain significance (1 of 4 stars; one submission).

gnomAD v4.1: 3 of 1,539,450 alleles (0.00019%); highest among the groups gnomAD compares: Non-Finnish European, 0.00026%; no homozygotes.

Submission:

Labcorp Genetics (formerly Invitae), Labcorp
Classification: Uncertain significance. Last evaluated: 2024-06-08. Review status: criteria provided, single submitter. Criteria: Invitae Variant Classification Sherloc (09022015). Collection method: clinical testing. Allele origin: germline.
Comment: This sequence change replaces proline, which is neutral and non-polar, with arginine, which is basic and polar, at codon 315 of the POLE2 protein (p.Pro315Arg). This variant is not present in population databases (gnomAD no frequency). This variant has not been reported in the literature in individuals affected with POLE2-related conditions. An algorithm developed to predict the effect of missense changes on protein structure and function (PolyPhen-2) suggests that this variant is likely to be disruptive. In summary, the available evidence is currently insufficient to determine the role of this variant in disease. Therefore, it has been classified as a Variant of Uncertain Significance.